The following is an entry in ClinVar:

ClinVar aggregate classification (germline): Pathogenic. Review status: reviewed by expert panel (3 of 4 stars). 3 submissions from 3 submitters: Pathogenic (1). 2 of the submissions do not count toward it. Last evaluated 2016-10-18.

Conditions:
Breast-ovarian cancer, familial, susceptibility to, 2 (BROVCA2). Also called: BRCA2 Hereditary Breast and Ovarian Cancer. Identifiers: Orphanet 145, MedGen C2675520, MONDO:0012933, OMIM 612555. Disease mechanism: loss of function.

Submissions (3):

Evidence-based Network for the Interpretation of Germline Mutant Alleles (ENIGMA)
Classification: Pathogenic for Breast-ovarian cancer, familial, susceptibility to, 2. Last evaluated: 2016-10-18. Review status: reviewed by expert panel. Criteria: ENIGMA BRCA1/2 Classification Criteria (2015). Collection method: curation. Allele origin: germline.
Comment: Variant allele predicted to encode a truncated non-functional protein.

Consortium of Investigators of Modifiers of BRCA1/2 (CIMBA), c/o University of Cambridge
Classification: Pathogenic for Breast-ovarian cancer, familial, susceptibility to, 2. Last evaluated: 2015-10-02. Review status: criteria provided, single submitter. Criteria: CIMBA Mutation Classification guidelines May 2016. Collection method: clinical testing. Allele origin: germline. Not counted in ClinVar's aggregate classification.

BRCAlab, Lund University
Classification: Pathogenic for Breast-ovarian cancer, familial, susceptibility to, 2. Last evaluated: 2020-03-02. Review status: no assertion criteria provided. Collection method: clinical testing. Allele origin: germline. Affected: yes. Not counted in ClinVar's aggregate classification.

NM_000059.4(BRCA2):c.8327_8331del (p.Leu2776fs)

Gene: BRCA2 (BRCA2 DNA repair associated; plus strand). Cytogenetic location: 13q13.1.
Variant type: Deletion.
Coding change: c.8327_8331del on transcript NM_000059.4 (MANE Select); coding-DNA positions 8327 to 8331, 5 bases deleted (TAAAG; older notation c.8327_8331delTAAAG).
Protein change: p.Leu2776fs; shifts the reading frame from leucine 2776.
Molecular consequence: frameshift variant.
Genome position (GRCh38, 1-based): chr13:32,363,529-32,363,533, TAAAG deleted. VCF-style (leftmost placement, unchanged base first): chr13-32363528-TTAAAG-T. GRCh37 (hg19) VCF-style: chr13-32937665-TTAAAG-T.
Other names: 8555del5; short protein forms L2776fs.
Identifiers: ClinVar variation 267071 (VCV000267071.6), dbSNP rs886040761, ClinGen allele CA10589483.